The following is an entry in ClinVar:

ClinVar aggregate classification (germline): Likely pathogenic (1 of 4 stars; one submission).

Conditions:
Peutz-Jeghers syndrome (PJS). Also called: POLYPOSIS, HAMARTOMATOUS INTESTINAL; POLYPS-AND-SPOTS SYNDROME; Peutz-Jeghers polyposis; Periorificial lentiginosis syndrome. Identifiers: Orphanet 2869, MedGen C0031269, MeSH D010580, MONDO:0008280, OMIM 175200.

Submission:

Labcorp Genetics (formerly Invitae), Labcorp
Classification: Likely pathogenic for Peutz-Jeghers syndrome. Last evaluated: 2019-03-18. Review status: criteria provided, single submitter. Criteria: Invitae Variant Classification Sherloc (09022015). Collection method: clinical testing. Allele origin: germline.
Comment: This variant is a deletion of the genomic region encompassing exons 2-7 and part of exon 8 of the STK11 gene. The 5' boundary is likely confined to intron 1, and the 3' end of this event occurs in exon 8 (c.922) of the STK11 gene. It is expected to disrupt RNA splicing and likely results in an absent or disrupted protein product. This variant has not been reported in the literature in individuals with STK11-related conditions. Loss-of-function variants in STK11 are known to be pathogenic (PMID: 15188174, 16287113). In summary, the currently available evidence indicates that the variant is pathogenic, but additional data are needed to prove that conclusively. Therefore, this variant has been classified as Likely Pathogenic.

NM_000455.5(STK11):c.291-10_922del

Genes: STK11 (serine/threonine kinase 11; plus strand), LOC110006318 (serine/threonine kinase 11 intron 3 Alu-mediated recombination region; plus strand). Cytogenetic location: 19p13.3.
Variant type: Deletion.
Coding change: c.291-10_922del on transcript NM_000455.5 (MANE Select); 10 bases into the intron before coding-DNA position 291 through coding-DNA position 922, 4,580 bases deleted.
Molecular consequence: splice acceptor variant, splice donor variant.
Genome position (GRCh38, 1-based): chr19:1,218,407-1,222,986, 4,580 bases deleted. GRCh37 (hg19): chr19:1,218,406-1,222,985.
Identifiers: ClinVar variation 845797 (VCV000845797.1), ClinGen allele CA916081940.